The following is an entry in ClinVar:

ClinVar aggregate classification (germline): Conflicting classifications of pathogenicity. Review status: criteria provided, conflicting classifications (1 of 4 stars). 6 submissions from 6 submitters: Uncertain significance (1); Benign (1); Likely benign (4). Last evaluated 2025-09-25.

Conditions:
Epidermolysis bullosa simplex 5C, with pyloric atresia (EBS5C). Also called: PLEC-Related Epidermolysis Bullosa with Pyloric Atresia; Epidermolysis bullosa simplex with pyloric atresia; PLEC1-Related Epidermolysis Bullosa with Pyloric Atresia. Identifiers: Orphanet 158684, MedGen C2677349, MONDO:0012807, OMIM 612138.
Epidermolysis bullosa simplex 5B, with muscular dystrophy (EBS5B). Also called: EPIDERMOLYSIS BULLOSA SIMPLEX AND LIMB-GIRDLE MUSCULAR DYSTROPHY; Epidermolysis bullosa simplex with muscular dystrophy. Identifiers: Orphanet 257, MedGen C2931072, MONDO:0009181, OMIM 226670.
Autosomal recessive limb-girdle muscular dystrophy type 2Q (LGMDR17). Also called: MUSCULAR DYSTROPHY, LIMB-GIRDLE, AUTOSOMAL RECESSIVE 17. Identifiers: Orphanet 254361, MedGen C3150989, MONDO:0013390, OMIM 613723.
Epidermolysis bullosa simplex with nail dystrophy (EBS5D). Identifiers: MedGen C4225309, MONDO:0014661, OMIM 616487.
Epidermolysis bullosa simplex, Ogna type (EBS5A). Also called: Pidermolysis bullosa simplex 5A, Ogna type; EPIDERMOLYSIS BULLOSA SIMPLEX 5A, OGNA TYPE. Identifiers: Orphanet 79401, MedGen C0432317, MONDO:0007555, OMIM 131950.

Allele frequency attached by ClinVar (database versions not stated): gnomAD 0.00005 and 0.00007; TOPMed 0.00008; ESP Exome Variant Server 0.00009; gnomAD exomes 0.00012 and 0.00021; ExAC 0.00034.
gnomAD v4.1: 177 of 1,581,016 alleles (0.011%); highest among the groups gnomAD compares: South Asian, 0.11%; 2 homozygotes.

Submissions (6):

Labcorp Genetics (formerly Invitae), Labcorp
Classification: Likely benign for Autosomal recessive limb-girdle muscular dystrophy type 2Q; Epidermolysis bullosa simplex, Ogna type; Epidermolysis bullosa simplex with nail dystrophy; Epidermolysis bullosa simplex 5C, with pyloric atresia; Epidermolysis bullosa simplex 5B, with muscular dystrophy. Last evaluated: 2025-09-25. Review status: criteria provided, single submitter. Criteria: Invitae Variant Classification Sherloc (09022015). Collection method: clinical testing. Allele origin: germline.

Women's Health and Genetics/Laboratory Corporation of America, LabCorp
Classification: Likely benign. Last evaluated: 2025-06-26. Review status: criteria provided, single submitter. Criteria: LabCorp Variant Classification Summary - May 2015. Collection method: clinical testing. Allele origin: germline.

Blueprint Genetics
Classification: Likely benign. Last evaluated: 2024-02-21. Review status: criteria provided, single submitter. Criteria: ACMG Guidelines, 2015. Collection method: clinical testing. Allele origin: germline.

CeGaT Center for Human Genetics Tuebingen
Classification: Likely benign. Last evaluated: 2023-07-01. Review status: criteria provided, single submitter. Criteria: CeGaT Center For Human Genetics Tuebingen Variant Classification Criteria Version 2. Collection method: clinical testing. Allele origin: germline. Affected: yes. Observed: 2 variant alleles.
Comment: PLEC: BP4, BP7

Athena Diagnostics
Classification: Benign. Last evaluated: 2019-10-31. Review status: criteria provided, single submitter. Criteria: Athena Diagnostics Criteria. Collection method: clinical testing. Allele origin: unknown.

Eurofins Ntd Llc (ga)
Classification: Uncertain significance. Last evaluated: 2016-11-10. Review status: criteria provided, single submitter. Criteria: EGL Classification Definitions 2015. Collection method: clinical testing. Allele origin: germline. Observed: 1 variant allele, 1 heterozygote.

NM_201384.3(PLEC):c.4326G>A (p.Ala1442=)

Gene: PLEC (plectin; minus strand). Cytogenetic location: 8q24.3.
Variant type: single nucleotide variant.
Coding change: c.4326G>A on transcript NM_201384.3 (MANE Select); coding-DNA position 4326, G replaced by A.
Protein change: p.Ala1442=; no amino-acid change (alanine 1442 retained).
Molecular consequence: synonymous variant.
Genome position (GRCh38, 1-based): chr8:143,925,603, C>T on the plus strand (G>A on the coding strand, the complement: PLEC is on the minus strand). VCF-style: chr8-143925603-C-T. GRCh37 (hg19) VCF-style: chr8-144999771-C-T.
Other names: c.4407G>A, p.Ala1469= (NM_000445.5); c.4284G>A, p.Ala1428= (NM_201378.4); c.4260G>A, p.Ala1420= (NM_201379.3); c.4737G>A, p.Ala1579= (NM_201380.4); c.4230G>A, p.Ala1410= (NM_201381.3); c.4326G>A, p.Ala1442= (NM_201382.4); c.4338G>A, p.Ala1446= (NM_201383.3).
Identifiers: ClinVar variation 498057 (VCV000498057.40), dbSNP rs369943756, ClinGen allele CA4926703.